The following is an entry in ClinVar:

ClinVar aggregate classification (germline): Uncertain significance. Review status: criteria provided, multiple submitters, no conflicts (2 of 4 stars). 2 submissions from 2 submitters: Uncertain significance (2). Last evaluated 2024-11-13.

Conditions:
Myofibrillar myopathy 3 (MFM3). Also called: Muscular dystrophy, proximal, type 1A; Autosomal dominant spheroid body myopathy. Identifiers: Orphanet 266, Orphanet 268129, MedGen C3714934, MONDO:0012215, OMIM 609200.

Allele frequency attached by ClinVar (database versions not stated): ExAC 0.00001; gnomAD exomes 0.00001.
gnomAD v4.1: 12 of 1,614,046 alleles (0.00074%); highest among the groups gnomAD compares: Non-Finnish European, 0.001%; no homozygotes.

Submissions (2):

Labcorp Genetics (formerly Invitae), Labcorp
Classification: Uncertain significance for Myofibrillar myopathy 3. Last evaluated: 2024-11-13. Review status: criteria provided, single submitter. Criteria: Invitae Variant Classification Sherloc (09022015). Collection method: clinical testing. Allele origin: germline.
Comment: This sequence change replaces aspartic acid, which is acidic and polar, with tyrosine, which is neutral and polar, at codon 241 of the MYOT protein (p.Asp241Tyr). This variant is present in population databases (rs774210863, gnomAD 0.002%). This variant has not been reported in the literature in individuals affected with MYOT-related conditions. ClinVar contains an entry for this variant (Variation ID: 1806909). Invitae Evidence Modeling of protein sequence and biophysical properties (such as structural, functional, and spatial information, amino acid conservation, physicochemical variation, residue mobility, and thermodynamic stability) indicates that this missense variant is not expected to disrupt MYOT protein function with a negative predictive value of 80%. In summary, the available evidence is currently insufficient to determine the role of this variant in disease. Therefore, it has been classified as a Variant of Uncertain Significance.

Athena Diagnostics
Classification: Uncertain significance. Last evaluated: 2021-09-30. Review status: criteria provided, single submitter. Criteria: Athena Diagnostics Criteria. Collection method: clinical testing. Allele origin: unknown.

NM_006790.3(MYOT):c.721G>T (p.Asp241Tyr)

Genes: MYOT (myotilin; plus strand), PKD2L2-DT (PKD2L2 divergent transcript; minus strand). Cytogenetic location: 5q31.2.
Variant type: single nucleotide variant.
Coding change: c.721G>T on transcript NM_006790.3 (MANE Select); coding-DNA position 721, G replaced by T.
Protein change: p.Asp241Tyr; replaces aspartic acid 241 with tyrosine.
Molecular consequence: missense variant.
Genome position (GRCh38, 1-based): chr5:137,882,010, G>T. VCF-style: chr5-137882010-G-T. GRCh37 (hg19) VCF-style: chr5-137217699-G-T.
Other names: c.169G>T, p.Asp57Tyr (NM_001135940.2); c.376G>T, p.Asp126Tyr (NM_001300911.2); short protein forms D126Y, D241Y, D57Y.
Identifiers: ClinVar variation 1806909 (VCV001806909.3), dbSNP rs774210863, ClinGen allele CA3423028.